The following is an entry in ClinVar:

ClinVar aggregate classification (germline): Uncertain significance (1 of 4 stars; one submission).

Conditions:
Stormorken syndrome (STRMK). Also called: THROMBOCYTOPATHY, ASPLENIA, AND MIOSIS. Identifiers: Orphanet 3204, MedGen C1861451, MONDO:0008497, OMIM 185070.
Myopathy with tubular aggregates (TAM). Also called: Tubular Aggregate Myopathy. Identifiers: Orphanet 2593, MedGen C0410207, MONDO:0008051.
Combined immunodeficiency due to STIM1 deficiency. Also called: STIM1 DEFICIENCY; IMMUNODEFICIENCY 10. Identifiers: Orphanet 169090, Orphanet 317430, MedGen C2748557, MONDO:0013008, OMIM 612783.

Submission:

Labcorp Genetics (formerly Invitae), Labcorp
Classification: Uncertain significance for Myopathy with tubular aggregates; Combined immunodeficiency due to STIM1 deficiency; Stormorken syndrome. Last evaluated: 2024-01-29. Review status: criteria provided, single submitter. Criteria: Invitae Variant Classification Sherloc (09022015). Collection method: clinical testing. Allele origin: unknown.
Comment: This variant results in a copy number gain of the genomic region encompassing exon(s) 9-12 of the STIM1 gene. This region includes the termination codon of the gene. This copy number gain extends beyond the assayed region for this gene and therefore may encompass additional genes. As the precise location of this event is unknown, it may be in tandem or it may be located elsewhere in the genome. This variant has not been reported in the literature in individuals affected with STIM1-related conditions. Experimental studies and prediction algorithms are not available or were not evaluated, and the functional significance of this variant is currently unknown. In summary, the available evidence is currently insufficient to determine the role of this variant in disease. Therefore, it has been classified as a Variant of Uncertain Significance.

NC_000011.9:g.(?_4104092)_(4113028_?)dup

Gene: STIM1 (stromal interaction molecule 1; plus strand). Cytogenetic location: 11p15.4.
Variant type: Duplication.
Identifiers: ClinVar variation 3244589 (VCV003244589.1).